The following is an entry in ClinVar:

ClinVar aggregate classification (germline): Likely benign. Review status: criteria provided, multiple submitters, no conflicts (2 of 4 stars). 3 submissions from 3 submitters: Likely benign (2). 1 of the submissions does not count toward it. Last evaluated 2026-06-26.

Conditions:
ELP1-related disorder. Also called: ELP1-related condition.
Familial dysautonomia. Also called: HSAN III; FD. Identifiers: Orphanet 1764, MedGen C0013364, MONDO:0009131, OMIM 223900. Disease mechanism: loss of function.

Allele frequency attached by ClinVar (database versions not stated): gnomAD exomes below 0.00001; TOPMed below 0.00001; gnomAD 0.00001.
gnomAD v4.1: 2 of 1,614,038 alleles (0.00012%); highest among the groups gnomAD compares: Non-Finnish European, 0.00017%; no homozygotes.

Submissions (3):

PreventionGenetics, part of Exact Sciences
Classification: Likely benign for ELP1-related condition. Last evaluated: 2026-06-26. Review status: criteria provided, single submitter. Criteria: ACMG Guidelines, 2015. Collection method: clinical testing. Allele origin: germline.
Comment: This variant is classified as likely benign based on ACMG/AMP sequence variant interpretation guidelines (Richards et al. 2015 PMID: 25741868, with internal and published modifications).

Labcorp Genetics (formerly Invitae), Labcorp
Classification: Likely benign. Last evaluated: 2026-01-13. Review status: criteria provided, single submitter. Criteria: Invitae Variant Classification Sherloc (09022015). Collection method: clinical testing. Allele origin: germline.

Natera, Inc.
Classification: Likely benign for Familial dysautonomia. Last evaluated: 2020-02-10. Review status: no assertion criteria provided. Collection method: clinical testing. Allele origin: germline. Not counted in ClinVar's aggregate classification.

NM_003640.5(ELP1):c.2454T>C (p.Leu818=)

Gene: ELP1 (elongator acetyltransferase complex subunit 1; minus strand). Cytogenetic location: 9q31.3.
Variant type: single nucleotide variant.
Coding change: c.2454T>C on transcript NM_003640.5 (MANE Select); coding-DNA position 2454, T replaced by C.
Protein change: p.Leu818=; no amino-acid change (leucine 818 retained).
Molecular consequence: synonymous variant.
Genome position (GRCh38, 1-based): chr9:108,897,195, A>G on the plus strand (T>C on the coding strand, the complement: ELP1 is on the minus strand). VCF-style: chr9-108897195-A-G. GRCh37 (hg19) VCF-style: chr9-111659475-A-G.
Other names: c.2112T>C, p.Leu704= (NM_001318360.2); c.1407T>C, p.Leu469= (NM_001330749.2); c.2454T>C (NM_003640.4).
Identifiers: ClinVar variation 703266 (VCV000703266.14), dbSNP rs893395625, ClinGen allele CA197533234.